The following is an entry in ClinVar:

NM_031935.3(HMCN1):c.16741G>A (p.Ala5581Thr)

Gene: HMCN1 (hemicentin 1; plus strand). Cytogenetic location: 1q31.1.
Variant type: single nucleotide variant.
Coding change: c.16741G>A on transcript NM_031935.3 (MANE Select); coding-DNA position 16741, G replaced by A.
Protein change: p.Ala5581Thr; replaces alanine 5581 with threonine.
Molecular consequence: missense variant.
Genome position (GRCh38, 1-based): chr1:186,189,711, G>A. VCF-style: chr1-186189711-G-A. GRCh37 (hg19) VCF-style: chr1-186158843-G-A.
Other names: short protein forms A5581T.
Identifiers: ClinVar variation 875085 (VCV000875085.9), dbSNP rs754660196, ClinGen allele CA1295642.

ClinVar aggregate classification (germline): Uncertain significance. Review status: criteria provided, multiple submitters, no conflicts (2 of 4 stars). 3 submissions from 3 submitters: Uncertain significance (3). Last evaluated 2025-04-20.

Conditions:
Age related macular degeneration 1 (ARMD1). Also called: MACULOPATHY, AGE-RELATED, 1. Identifiers: MedGen C1864205, MONDO:0011285, OMIM 603075.

Allele frequency attached by ClinVar (database versions not stated): ExAC 0.00004; gnomAD exomes 0.00004; gnomAD 0.00008 and 0.00009; TOPMed 0.00008.
gnomAD v4.1: 193 of 1,613,302 alleles (0.012%); highest among the groups gnomAD compares: Non-Finnish European, 0.015%; no homozygotes.

Submissions (3):

Labcorp Genetics (formerly Invitae), Labcorp
Classification: Uncertain significance. Last evaluated: 2025-04-20. Review status: criteria provided, single submitter. Criteria: Invitae Variant Classification Sherloc (09022015). Collection method: clinical testing. Allele origin: germline.
Comment: This sequence change replaces alanine, which is neutral and non-polar, with threonine, which is neutral and polar, at codon 5581 of the HMCN1 protein (p.Ala5581Thr). This variant is present in population databases (rs754660196, gnomAD 0.01%). This variant has not been reported in the literature in individuals affected with HMCN1-related conditions. ClinVar contains an entry for this variant (Variation ID: 875085). An algorithm developed to predict the effect of missense changes on protein structure and function (PolyPhen-2) suggests that this variant is likely to be disruptive. In summary, the available evidence is currently insufficient to determine the role of this variant in disease. Therefore, it has been classified as a Variant of Uncertain Significance.

Genome-Nilou Lab
Classification: Uncertain significance for Age related macular degeneration 1. Last evaluated: 2023-04-11. Review status: criteria provided, single submitter. Criteria: ACMG Guidelines, 2015. Collection method: clinical testing. Allele origin: germline. Affected: no.

Illumina Laboratory Services, Illumina
Classification: Uncertain significance for Age related macular degeneration 1. Last evaluated: 2018-01-13. Review status: criteria provided, single submitter. Criteria: ICSL Variant Classification Criteria 13 December 2019. Collection method: clinical testing. Allele origin: germline.